The following is an entry in ClinVar:

NM_133433.4(NIPBL):c.6472C>G (p.Leu2158Val)

Gene: NIPBL (NIPBL cohesin loading factor; plus strand). Cytogenetic location: 5p13.2.
Variant type: single nucleotide variant.
Coding change: c.6472C>G on transcript NM_133433.4 (MANE Select); coding-DNA position 6472, C replaced by G.
Protein change: p.Leu2158Val; replaces leucine 2158 with valine.
Molecular consequence: missense variant.
Genome position (GRCh38, 1-based): chr5:37,045,571, C>G. VCF-style: chr5-37045571-C-G. GRCh37 (hg19) VCF-style: chr5-37045673-C-G.
Other names: c.6472C>G, p.Leu2158Val (NM_015384.5); short protein forms L2158V.
Identifiers: ClinVar variation 3681094 (VCV003681094.2).

ClinVar aggregate classification (germline): Uncertain significance (1 of 4 stars; one submission).

Conditions:
Cornelia de Lange syndrome 1 (CDLS1). Also called: TYPUS DEGENERATIVUS AMSTELODAMENSIS; Brachmann de Lange syndrome; NIPBL-Related Cornelia de Lange Syndrome. Identifiers: Orphanet 199, MedGen C4551851, MONDO:0007387, OMIM 122470.

gnomAD v4.1: 2 of 1,614,000 alleles (0.00012%); highest among the groups gnomAD compares: South Asian, 0.0011%; no homozygotes.

Submission:

Labcorp Genetics (formerly Invitae), Labcorp
Classification: Uncertain significance for Cornelia de Lange syndrome 1. Last evaluated: 2025-07-31. Review status: criteria provided, single submitter. Criteria: Invitae Variant Classification Sherloc (09022015). Collection method: clinical testing. Allele origin: germline.
Comment: This sequence change replaces leucine, which is neutral and non-polar, with valine, which is neutral and non-polar, at codon 2158 of the NIPBL protein (p.Leu2158Val). This variant is present in population databases (no rsID available, gnomAD 0.0009%). This variant has not been reported in the literature in individuals affected with NIPBL-related conditions. ClinVar contains an entry for this variant (Variation ID: 3681094). Invitae Evidence Modeling of protein sequence and biophysical properties (such as structural, functional, and spatial information, amino acid conservation, physicochemical variation, residue mobility, and thermodynamic stability) has been performed for this missense variant. However, the output from this modeling did not meet the statistical confidence thresholds required to predict the impact of this variant on NIPBL protein function. In summary, the available evidence is currently insufficient to determine the role of this variant in disease. Therefore, it has been classified as a Variant of Uncertain Significance.